The following is an entry in ClinVar:

NM_024642.5(GALNT12):c.266A>G (p.Glu89Gly)

Gene: GALNT12 (polypeptide N-acetylgalactosaminyltransferase 12; plus strand). Cytogenetic location: 9q22.33.
Variant type: single nucleotide variant.
Coding change: c.266A>G on transcript NM_024642.5 (MANE Select); coding-DNA position 266, A replaced by G.
Protein change: p.Glu89Gly; replaces glutamic acid 89 with glycine.
Molecular consequence: missense variant.
Genome position (GRCh38, 1-based): chr9:98,807,964, A>G. VCF-style: chr9-98807964-A-G. GRCh37 (hg19) VCF-style: chr9-101570246-A-G.
Other names: c.266A>G (NM_024642.4); short protein forms E89G.
Identifiers: ClinVar variation 1444317 (VCV001444317.12), dbSNP rs1835414006, ClinGen allele CA374222681.
Genomic context (GRCh38, chr9:98,807,964, plus strand): 5'-CGGTGCCGGCGAACGCGCTGGGCGCGCGGGGCGAGGCGGTGCGGCTGCAGCTGCAGGGCG[A>G]GGAGCTGCGGCTGCAGGAGGAGAGCGTGCGGCTGCACCAGATTAACATCTACCTCAGCGA-3'
Protein context (NP_078918.3, residues 79-99): GEAVRLQLQG[Glu89Gly]ELRLQEESVR

ClinVar aggregate classification (germline): Uncertain significance. Review status: criteria provided, multiple submitters, no conflicts (2 of 4 stars). 4 submissions from 4 submitters: Uncertain significance (4). Last evaluated 2025-03-31.

Conditions:
Colorectal cancer, susceptibility to, 1. Also called: COLORECTAL ADENOMA AND CANCER, SUSCEPTIBILITY TO; COLORECTAL CANCER, SUSCEPTIBILITY TO, ON CHROMOSOME 9. Identifiers: MedGen C1837315, MONDO:0012132, OMIM 608812.

Allele frequency attached by ClinVar (database versions not stated): TOPMed 0.00001; gnomAD 0.00002 and 0.00003.

Submissions (4):

Labcorp Genetics (formerly Invitae), Labcorp
Classification: Uncertain significance. Last evaluated: 2025-03-31. Review status: criteria provided, single submitter. Criteria: Invitae Variant Classification Sherloc (09022015). Collection method: clinical testing. Allele origin: germline.
Comment: This sequence change replaces glutamic acid, which is acidic and polar, with glycine, which is neutral and non-polar, at codon 89 of the GALNT12 protein (p.Glu89Gly). This variant is not present in population databases (gnomAD no frequency). This variant has not been reported in the literature in individuals affected with GALNT12-related conditions. ClinVar contains an entry for this variant (Variation ID: 1444317). Invitae Evidence Modeling of protein sequence and biophysical properties (such as structural, functional, and spatial information, amino acid conservation, physicochemical variation, residue mobility, and thermodynamic stability) indicates that this missense variant is not expected to disrupt GALNT12 protein function with a negative predictive value of 80%. In summary, the available evidence is currently insufficient to determine the role of this variant in disease. Therefore, it has been classified as a Variant of Uncertain Significance.

Ambry Genetics
Classification: Uncertain significance. Last evaluated: 2025-01-13. Review status: criteria provided, single submitter. Criteria: Ambry Variant Classification Scheme 2023. Collection method: clinical testing. Allele origin: germline.
Comment: The p.E89G variant (also known as c.266A>G), located in coding exon 1 of the GALNT12 gene, results from an A to G substitution at nucleotide position 266. The glutamic acid at codon 89 is replaced by glycine, an amino acid with similar properties. This amino acid position is conserved. In addition, this alteration is predicted to be tolerated by in silico analysis. Since supporting evidence is limited at this time, the clinical significance of this alteration remains unclear.

Baylor Genetics
Classification: Uncertain significance for Colorectal cancer, susceptibility to, 1. Last evaluated: 2024-02-16. Review status: criteria provided, single submitter. Criteria: ACMG Guidelines, 2015. Collection method: clinical testing. Allele origin: unknown.

Quest Diagnostics Nichols Institute San Juan Capistrano
Classification: Uncertain significance. Last evaluated: 2022-12-07. Review status: criteria provided, single submitter. Criteria: Quest Diagnostics criteria. Collection method: clinical testing. Allele origin: unknown.
Comment: The variant has not been reported in the published literature. The frequency of this variant in the general population, 0.000026 (4/151572 chromosomes), is uninformative in assessment of its pathogenicity. Analysis of this variant using bioinformatics tools for the prediction of the effect of amino acid changes on protein structure and function yielded predictions that this variant is benign. Based on the available information, we are unable to determine the clinical significance of this variant.